The following is an entry in ClinVar:

ClinVar aggregate classification (germline): Uncertain significance (1 of 4 stars; one submission).

Conditions:
Cohen syndrome (COH1). Also called: PEPPER SYNDROME; Cutis verticis gyrata, retinitis pigmentosa, and sensorineural deafness. Identifiers: Orphanet 193, MedGen C0265223, MONDO:0008999, OMIM 216550.

Allele frequency attached by ClinVar (database versions not stated): gnomAD exomes 0.00001.
gnomAD v4.1: 7 of 1,613,998 alleles (0.00043%); highest among the groups gnomAD compares: Admixed American, 0.005%; no homozygotes.

Submission:

Labcorp Genetics (formerly Invitae), Labcorp
Classification: Uncertain significance for Cohen syndrome. Last evaluated: 2022-09-01. Review status: criteria provided, single submitter. Criteria: Invitae Variant Classification Sherloc (09022015). Collection method: clinical testing. Allele origin: germline.
Comment: This sequence change replaces leucine, which is neutral and non-polar, with serine, which is neutral and polar, at codon 1394 of the VPS13B protein (p.Leu1394Ser). This variant is present in population databases (no rsID available, gnomAD 0.006%). This variant has not been reported in the literature in individuals affected with VPS13B-related conditions. Algorithms developed to predict the effect of missense changes on protein structure and function are either unavailable or do not agree on the potential impact of this missense change (SIFT: "Not Available"; PolyPhen-2: "Benign"; Align-GVGD: "Not Available"). Algorithms developed to predict the effect of sequence changes on RNA splicing suggest that this variant may create or strengthen a splice site. In summary, the available evidence is currently insufficient to determine the role of this variant in disease. Therefore, it has been classified as a Variant of Uncertain Significance.

NM_017890.5(VPS13B):c.4181T>C (p.Leu1394Ser)

Gene: VPS13B (vacuolar protein sorting 13 homolog B; plus strand). Cytogenetic location: 8q22.2.
Variant type: single nucleotide variant.
Coding change: c.4181T>C on transcript NM_017890.5 (MANE Plus Clinical); coding-DNA position 4181, T replaced by C.
Protein change: p.Leu1394Ser; replaces leucine 1394 with serine.
Molecular consequence: missense variant. On other transcripts: intron variant (1).
Genome position (GRCh38, 1-based): chr8:99,507,793, T>C. VCF-style: chr8-99507793-T-C. GRCh37 (hg19) VCF-style: chr8-100520021-T-C.
Other names: c.4224+590T>C (NM_152564.5); short protein forms L1394S.
Identifiers: ClinVar variation 1909559 (VCV001909559.2), dbSNP rs1478521969, ClinGen allele CA371870545.